The following is an entry in ClinVar:

ClinVar aggregate classification (germline): Uncertain significance (1 of 4 stars; one submission).

Allele frequency attached by ClinVar (database versions not stated): TOPMed below 0.00001; gnomAD exomes 0.00001; ExAC 0.00002.
gnomAD v4.1: 10 of 1,607,752 alleles (0.00062%); highest among the groups gnomAD compares: Non-Finnish European, 0.00085%; no homozygotes.

Submission:

Labcorp Genetics (formerly Invitae), Labcorp
Classification: Uncertain significance. Last evaluated: 2022-06-27. Review status: criteria provided, single submitter. Criteria: Invitae Variant Classification Sherloc (09022015). Collection method: clinical testing. Allele origin: germline.
Comment: This variant has not been reported in the literature in individuals affected with UBA5-related conditions. This variant is present in population databases (rs773826017, gnomAD 0.002%). This sequence change replaces threonine, which is neutral and polar, with isoleucine, which is neutral and non-polar, at codon 383 of the UBA5 protein (p.Thr383Ile). Algorithms developed to predict the effect of missense changes on protein structure and function are either unavailable or do not agree on the potential impact of this missense change (SIFT: "Not Available"; PolyPhen-2: "Benign"; Align-GVGD: "Not Available"). In summary, the available evidence is currently insufficient to determine the role of this variant in disease. Therefore, it has been classified as a Variant of Uncertain Significance.

NM_024818.6(UBA5):c.1148C>T (p.Thr383Ile)

Genes: NPHP3-ACAD11 (NPHP3-ACAD11 readthrough (NMD candidate); minus strand), UBA5 (ubiquitin like modifier activating enzyme 5; plus strand). Cytogenetic location: 3q22.1.
Variant type: single nucleotide variant.
Coding change: c.1148C>T on transcript NM_024818.6 (MANE Select); coding-DNA position 1148, C replaced by T.
Protein change: p.Thr383Ile; replaces threonine 383 with isoleucine.
Molecular consequence: missense variant.
Genome position (GRCh38, 1-based): chr3:132,676,459, C>T. VCF-style: chr3-132676459-C-T. GRCh37 (hg19) VCF-style: chr3-132395303-C-T.
Other names: c.980C>T, p.Thr327Ile (NM_001320210.2, NM_198329.4); c.878C>T, p.Thr293Ile (NM_001321238.2); c.812C>T, p.Thr271Ile (NM_001321239.1); short protein forms T293I, T271I, T327I, T383I.
Identifiers: ClinVar variation 1375732 (VCV001375732.6), dbSNP rs773826017, ClinGen allele CA2621561.